The following is an entry in ClinVar:

ClinVar aggregate classification (germline): Likely benign (0 of 4 stars; one submission).

Conditions:
ZNF462-related disorder. Also called: ZNF462-related condition; ZNF462 related disease.

Allele frequency attached by ClinVar (database versions not stated): ExAC 0.00004; gnomAD 0.00005; gnomAD exomes 0.00006; TOPMed 0.00007.
gnomAD v4.1: 93 of 1,610,324 alleles (0.0058%); highest among the groups gnomAD compares: Admixed American, 0.0067%; no homozygotes.

Submission:

PreventionGenetics, part of Exact Sciences
Classification: Likely benign for ZNF462-related condition. Last evaluated: 2019-07-23. Review status: no assertion criteria provided. Collection method: clinical testing. Allele origin: germline.
Comment: This variant is classified as likely benign based on ACMG/AMP sequence variant interpretation guidelines (Richards et al. 2015 PMID: 25741868, with internal and published modifications).

NM_021224.6(ZNF462):c.1650G>A (p.Pro550=)

Gene: ZNF462 (zinc finger protein 462; plus strand). Cytogenetic location: 9q31.2.
Variant type: single nucleotide variant.
Coding change: c.1650G>A on transcript NM_021224.6 (MANE Select); coding-DNA position 1650, G replaced by A.
Protein change: p.Pro550=; no amino-acid change (proline 550 retained).
Molecular consequence: synonymous variant.
Genome position (GRCh38, 1-based): chr9:106,925,562, G>A. VCF-style: chr9-106925562-G-A. GRCh37 (hg19) VCF-style: chr9-109687843-G-A.
Other names: c.1650G>A, p.Pro550= (NM_001347997.2).
Identifiers: ClinVar variation 3050015 (VCV003050015.2), dbSNP rs750520083, ClinGen allele CA5171374.